The following is an entry in ClinVar:

NM_000465.4(BARD1):c.1492C>G (p.Leu498Val)

Gene: BARD1 (BRCA1 associated RING domain 1; minus strand). Cytogenetic location: 2q35.
Variant type: single nucleotide variant.
Coding change: c.1492C>G on transcript NM_000465.4 (MANE Select); coding-DNA position 1492, C replaced by G.
Protein change: p.Leu498Val; replaces leucine 498 with valine.
Molecular consequence: missense variant. On other transcripts: non-coding transcript variant (3), intron variant (3).
Genome position (GRCh38, 1-based): chr2:214,767,558, G>C on the plus strand (C>G on the coding strand, the complement: BARD1 is on the minus strand). VCF-style: chr2-214767558-G-C. GRCh37 (hg19) VCF-style: chr2-215632282-G-C.
Other names: c.1435C>G, p.Leu479Val (NM_001282543.2); c.159-15003C>G (NM_001282548.2); c.216-15003C>G (NM_001282545.2); c.364+24739C>G (NM_001282549.2); short protein forms L498V, L479V.
Identifiers: ClinVar variation 479145 (VCV000479145.16), dbSNP rs1553619265, ClinGen allele CA350448385.

ClinVar aggregate classification (germline): Uncertain significance. Review status: criteria provided, multiple submitters, no conflicts (2 of 4 stars). 4 submissions from 4 submitters: Uncertain significance (4). Last evaluated 2025-03-03.

Conditions:
Hereditary cancer-predisposing syndrome. Also called: Neoplastic Syndromes, Hereditary; Hereditary Cancer Syndrome; Hereditary neoplastic syndrome; Tumor predisposition. Identifiers: Orphanet 140162, MedGen C0027672, MeSH D009386, MONDO:0015356.
Familial cancer of breast. Also called: BREAST CANCER, FAMILIAL; hereditary breast carcinoma; Hereditary breast cancer. Identifiers: Orphanet 227535, MedGen C0346153, MONDO:0016419, OMIM 114480. Disease mechanism: loss of function.

Allele frequency attached by ClinVar (database versions not stated): gnomAD exomes 0.00001.
gnomAD v4.1: 6 of 1,614,040 alleles (0.00037%); highest among the groups gnomAD compares: Non-Finnish European, 0.00051%; no homozygotes.

Submissions (4):

Color Diagnostics, LLC DBA Color Health
Classification: Uncertain significance for Hereditary cancer-predisposing syndrome. Last evaluated: 2025-03-03. Review status: criteria provided, single submitter. Criteria: ACMG Guidelines, 2015. Collection method: clinical testing. Allele origin: germline.
Comment: This missense variant replaces leucine with valine at codon 498 of the BARD1 protein. Computational prediction suggests that this variant may have deleterious impact on protein structure and function (internally defined REVEL score threshold >= 0.7, PMID: 27666373). To our knowledge, functional studies have not been reported for this variant. This variant has not been reported in individuals affected with BARD1-related disorders in the literature. This variant has not been identified in the general population by the Genome Aggregation Database (gnomAD). The available evidence is insufficient to determine the role of this variant in disease conclusively. Therefore, this variant is classified as a Variant of Uncertain Significance.

Ambry Genetics
Classification: Uncertain significance for Hereditary cancer-predisposing syndrome. Last evaluated: 2023-11-18. Review status: criteria provided, single submitter. Criteria: Ambry Variant Classification Scheme 2023. Collection method: clinical testing. Allele origin: germline.
Comment: The p.L498V variant (also known as c.1492C>G), located in coding exon 6 of the BARD1 gene, results from a C to G substitution at nucleotide position 1492. The leucine at codon 498 is replaced by valine, an amino acid with highly similar properties. This variant was not reported in population based cohorts in the following databases: Database of Single Nucleotide Polymorphisms (dbSNP), NHLBI Exome Sequencing Project (ESP), and 1000 Genomes Project. In the ESP, this variant was not observed in 6503 samples (13006 alleles) with coverage at this position. To date, this alteration has been detected with an allele frequency of approximately 0.001% (greater than 120000 alleles tested) in our clinical cohort. This amino acid position is highly conserved in available vertebrate species. In addition, this alteration is predicted to be deleterious by in silico analysis. Since supporting evidence is limited at this time, the clinical significance of this alteration remains unclear.

Labcorp Genetics (formerly Invitae), Labcorp
Classification: Uncertain significance for Familial cancer of breast. Last evaluated: 2023-10-22. Review status: criteria provided, single submitter. Criteria: Invitae Variant Classification Sherloc (09022015). Collection method: clinical testing. Allele origin: germline.
Comment: This sequence change replaces leucine, which is neutral and non-polar, with valine, which is neutral and non-polar, at codon 498 of the BARD1 protein (p.Leu498Val). This variant is not present in population databases (gnomAD no frequency). This variant has not been reported in the literature in individuals affected with BARD1-related conditions. ClinVar contains an entry for this variant (Variation ID: 479145). An algorithm developed to predict the effect of missense changes on protein structure and function (PolyPhen-2) suggests that this variant is likely to be disruptive. In summary, the available evidence is currently insufficient to determine the role of this variant in disease. Therefore, it has been classified as a Variant of Uncertain Significance.

GeneDx
Classification: Uncertain significance. Last evaluated: 2021-01-12. Review status: criteria provided, single submitter. Criteria: GeneDx Variant Classification Process June 2021. Collection method: clinical testing. Allele origin: germline. Affected: yes.
Comment: Not observed in large population cohorts (Lek et al., 2016); In silico analysis supports that this missense variant has a deleterious effect on protein structure/function; Has not been previously published as pathogenic or benign to our knowledge